The following is an entry in ClinVar:

NM_006397.3(RNASEH2A):c.848C>G (p.Ser283Cys)

Gene: RNASEH2A (ribonuclease H2 subunit A; plus strand). Cytogenetic location: 19p13.13.
Variant type: single nucleotide variant.
Coding change: c.848C>G on transcript NM_006397.3 (MANE Select); coding-DNA position 848, C replaced by G.
Protein change: p.Ser283Cys; replaces serine 283 with cysteine.
Molecular consequence: missense variant.
Genome position (GRCh38, 1-based): chr19:12,813,414, C>G. VCF-style: chr19-12813414-C-G. GRCh37 (hg19) VCF-style: chr19-12924228-C-G.
Other names: short protein forms S283C.
Identifiers: ClinVar variation 2970100 (VCV002970100.3), dbSNP rs2512480191, ClinGen allele CA404269893.
Genomic context (GRCh38, chr19:12,813,414, plus strand): 5'-AGGGACTCAGGAAGATCACATCCTACTTCCTCAATGAAGGGTCCCAAGCCCGTCCCCGTT[C>G]TTCCCACCGATATTTCCTGGAACGCGGCCTGGAGTCAGCAACCAGCCTCTAGCAGCTGCC-3'
Protein context (NP_006388.2, residues 273-293): LNEGSQARPR[Ser283Cys]SHRYFLERGL

ClinVar aggregate classification (germline): Uncertain significance (1 of 4 stars; one submission).

Conditions:
Aicardi-Goutieres syndrome 4. Identifiers: Orphanet 51, MedGen C1835912, MONDO:0012472, OMIM 610333.

Allele frequency attached by ClinVar (database versions not stated): gnomAD exomes below 0.00001.
gnomAD v4.1: 3 of 1,614,174 alleles (0.00019%); highest among the groups gnomAD compares: East Asian, 0.0022%; no homozygotes.

Submission:

Labcorp Genetics (formerly Invitae), Labcorp
Classification: Uncertain significance for Aicardi-Goutieres syndrome 4. Last evaluated: 2026-01-12. Review status: criteria provided, single submitter. Criteria: Invitae Variant Classification Sherloc (09022015). Collection method: clinical testing. Allele origin: germline.
Comment: This sequence change replaces serine, which is neutral and polar, with cysteine, which is neutral and slightly polar, at codon 283 of the RNASEH2A protein (p.Ser283Cys). This variant is not present in population databases (gnomAD no frequency). This variant has not been reported in the literature in individuals affected with RNASEH2A-related conditions. ClinVar contains an entry for this variant (Variation ID: 2970100). An algorithm developed to predict the effect of missense changes on protein structure and function (PolyPhen-2) suggests that this variant is likely to be tolerated. In summary, the available evidence is currently insufficient to determine the role of this variant in disease. Therefore, it has been classified as a Variant of Uncertain Significance.